The following is an entry in ClinVar:

NM_001987.5(ETV6):c.68C>A (p.Pro23Gln)

Gene: ETV6 (ETS variant transcription factor 6; plus strand). Cytogenetic location: 12p13.2.
Variant type: single nucleotide variant.
Coding change: c.68C>A on transcript NM_001987.5 (MANE Select); coding-DNA position 68, C replaced by A.
Protein change: p.Pro23Gln; replaces proline 23 with glutamine.
Molecular consequence: missense variant. On other transcripts: intron variant (1).
Genome position (GRCh38, 1-based): chr12:11,752,484, C>A. VCF-style: chr12-11752484-C-A. GRCh37 (hg19) VCF-style: chr12-11905418-C-A.
Other names: c.65C>A, p.Pro22Gln (NM_001413913.1); c.41C>A, p.Pro14Gln (NM_001413914.1); c.68C>A, p.Pro23Gln (NM_001413916.1, NM_001413917.1, NM_001413918.1); c.-101-86656C>A (NM_001413915.1); short protein forms P14Q, P22Q, P23Q.
Identifiers: ClinVar variation 3846500 (VCV003846500.1).

ClinVar aggregate classification (germline): Uncertain significance (1 of 4 stars; one submission).

Conditions:
Inborn genetic diseases. Identifiers: MedGen C0950123, MeSH D030342.

Submission:

Ambry Genetics
Classification: Uncertain significance for Inborn genetic diseases. Last evaluated: 2025-01-06. Review status: criteria provided, single submitter. Criteria: Ambry Variant Classification Scheme 2023. Collection method: clinical testing. Allele origin: germline.
Comment: The p.P23Q variant (also known as c.68C>A), located in coding exon 2 of the ETV6 gene, results from a C to A substitution at nucleotide position 68. The proline at codon 23 is replaced by glutamine, an amino acid with similar properties. This amino acid position is conserved. In addition, this alteration is predicted to be tolerated by in silico analysis. Based on the available evidence, the clinical significance of this variant remains unclear.